The following is an entry in ClinVar:

ClinVar aggregate classification (germline): Uncertain significance (1 of 4 stars; one submission).

Conditions:
Autosomal recessive early-onset Parkinson disease 6 (PARK6). Also called: PARKINSON DISEASE 6, EARLY-ONSET; PINK1 Type of Young-Onset Parkinson Disease; PARKINSON DISEASE 6, MODIFIER OF; PINK1-Related Parkinson Disease. Identifiers: Orphanet 2828, MedGen C1853833, MONDO:0011613, OMIM 605909.

Allele frequency attached by ClinVar (database versions not stated): TOPMed 0.00001; gnomAD 0.00002; gnomAD exomes 0.00002; ExAC 0.00005; 1000 Genomes Project 0.00020; 1000 Genomes Project 30x 0.00031.
gnomAD v4.1: 27 of 1,613,582 alleles (0.0017%); highest among the groups gnomAD compares: South Asian, 0.027%; no homozygotes.

Submission:

Labcorp Genetics (formerly Invitae), Labcorp
Classification: Uncertain significance for Autosomal recessive early-onset Parkinson disease 6. Last evaluated: 2022-02-06. Review status: criteria provided, single submitter. Criteria: Invitae Variant Classification Sherloc (09022015). Collection method: clinical testing. Allele origin: germline.
Comment: This sequence change replaces proline, which is neutral and non-polar, with serine, which is neutral and polar, at codon 425 of the PINK1 protein (p.Pro425Ser). This variant is present in population databases (rs554114655, gnomAD 0.02%). This missense change has been observed in individual(s) with Parkinson disease (PMID: 15596610). Algorithms developed to predict the effect of missense changes on protein structure and function are either unavailable or do not agree on the potential impact of this missense change (SIFT: "Tolerated"; PolyPhen-2: "Probably Damaging"; Align-GVGD: "Class C0"). In summary, the available evidence is currently insufficient to determine the role of this variant in disease. Therefore, it has been classified as a Variant of Uncertain Significance.

Literature cited by the submitters: PubMed 15596610.

NM_032409.3(PINK1):c.1273C>T (p.Pro425Ser)

Genes: PINK1 (PTEN induced kinase 1; plus strand), PINK1-AS (PINK1 antisense RNA; minus strand). Cytogenetic location: 1p36.12.
Variant type: single nucleotide variant.
Coding change: c.1273C>T on transcript NM_032409.3 (MANE Select); coding-DNA position 1273, C replaced by T.
Protein change: p.Pro425Ser; replaces proline 425 with serine.
Molecular consequence: missense variant. On other transcripts: non-coding transcript variant (1).
Genome position (GRCh38, 1-based): chr1:20,649,016, C>T. VCF-style: chr1-20649016-C-T. GRCh37 (hg19) VCF-style: chr1-20975509-C-T.
Other names: short protein forms P425S.
Identifiers: ClinVar variation 2042117 (VCV002042117.1), dbSNP rs554114655, ClinGen allele CA660787.